The following is an entry in ClinVar:

NC_000011.10:g.(?_108335835)_(108365508_?)dup

Gene: ATM (ATM serine/threonine kinase; plus strand). Cytogenetic location: 11q22.3.
Variant type: Duplication.
Identifiers: ClinVar variation 832176 (VCV000832176.2).

ClinVar aggregate classification (germline): Uncertain significance (1 of 4 stars; one submission).

Conditions:
Ataxia-telangiectasia syndrome (AT). Also called: Ataxia-telangiectasia, complementation group E; Ataxia telangiectasia (A-T); LOUIS-BAR SYNDROME; Ataxia-telangiectasia, complementation group D; AT, COMPLEMENTATION GROUP C; Ataxia-telangiectasia. Identifiers: Orphanet 100, MedGen C0004135, MONDO:0008840, OMIM 208900.

Submission:

Labcorp Genetics (formerly Invitae), Labcorp
Classification: Uncertain significance for Ataxia-telangiectasia syndrome. Last evaluated: 2022-05-05. Review status: criteria provided, single submitter. Criteria: Invitae Variant Classification Sherloc (09022015). Collection method: clinical testing. Allele origin: germline.
Comment: This variant results in a copy number gain of the genomic region encompassing exon(s) 56-63 of the ATM gene. This region includes the termination codon of the gene. This copy number gain extends beyond the assayed region for this gene and therefore may encompass additional genes. As the precise location of this event is unknown, it may be in tandem or it may be located elsewhere in the genome. This variant has not been reported in the literature in individuals affected with ATM-related conditions. Experimental studies and prediction algorithms are not available or were not evaluated, and the functional significance of this variant is currently unknown. In summary, the available evidence is currently insufficient to determine the role of this variant in disease. Therefore, it has been classified as a Variant of Uncertain Significance.